The following is an entry in ClinVar:

ClinVar aggregate classification (germline): Uncertain significance. Review status: criteria provided, multiple submitters, no conflicts (2 of 4 stars). 3 submissions from 3 submitters: Uncertain significance (3). Last evaluated 2025-12-05.

Conditions:
Hereditary cancer-predisposing syndrome. Also called: Hereditary neoplastic syndrome; Tumor predisposition; Neoplastic Syndromes, Hereditary; Hereditary Cancer Syndrome. Identifiers: Orphanet 140162, MedGen C0027672, MeSH D009386, MONDO:0015356.
Peutz-Jeghers syndrome (PJS). Also called: POLYPOSIS, HAMARTOMATOUS INTESTINAL; POLYPS-AND-SPOTS SYNDROME; Peutz-Jeghers polyposis; Periorificial lentiginosis syndrome. Identifiers: Orphanet 2869, MedGen C0031269, MeSH D010580, MONDO:0008280, OMIM 175200.

Allele frequency attached by ClinVar (database versions not stated): gnomAD exomes below 0.00001.

Submissions (3):

Labcorp Genetics (formerly Invitae), Labcorp
Classification: Uncertain significance for Peutz-Jeghers syndrome. Last evaluated: 2025-12-05. Review status: criteria provided, single submitter. Criteria: Invitae Variant Classification Sherloc (09022015). Collection method: clinical testing. Allele origin: germline.
Comment: This sequence change replaces proline, which is neutral and non-polar, with alanine, which is neutral and non-polar, at codon 321 of the STK11 protein (p.Pro321Ala). This variant is present in population databases (no rsID available, gnomAD 0.001%). This variant has not been reported in the literature in individuals affected with STK11-related conditions. ClinVar contains an entry for this variant (Variation ID: 953708). Invitae Evidence Modeling of protein sequence and biophysical properties (such as structural, functional, and spatial information, amino acid conservation, physicochemical variation, residue mobility, and thermodynamic stability) indicates that this missense variant is not expected to disrupt STK11 protein function with a negative predictive value of 95%. In summary, the available evidence is currently insufficient to determine the role of this variant in disease. Therefore, it has been classified as a Variant of Uncertain Significance.

Ambry Genetics
Classification: Uncertain significance for Hereditary cancer-predisposing syndrome. Last evaluated: 2025-08-12. Review status: criteria provided, single submitter. Criteria: Ambry Variant Classification Scheme 2023. Collection method: clinical testing. Allele origin: germline.
Comment: The p.P321A variant (also known as c.961C>G), located in coding exon 8 of the STK11 gene, results from a C to G substitution at nucleotide position 961. The proline at codon 321 is replaced by alanine, an amino acid with highly similar properties. This amino acid position is highly conserved in available vertebrate species. In addition, the in silico prediction for this alteration is inconclusive. Based on the available evidence, the clinical significance of this variant remains unclear.

Color Diagnostics, LLC DBA Color Health
Classification: Uncertain significance for Hereditary cancer-predisposing syndrome. Last evaluated: 2024-03-06. Review status: criteria provided, single submitter. Criteria: ACMG Guidelines, 2015. Collection method: clinical testing. Allele origin: germline.
Comment: This missense variant replaces proline with alanine at codon 321 of the STK11 protein. Computational prediction is inconclusive regarding the impact of this variant on protein structure and function (internally defined REVEL score threshold 0.5 < inconclusive < 0.7, PMID: 27666373). To our knowledge, functional studies have not been reported for this variant. This variant has not been reported in individuals affected with hereditary cancer in the literature. This variant has been identified in 1/208942 chromosomes in the general population by the Genome Aggregation Database (gnomAD). The available evidence is insufficient to determine the role of this variant in disease conclusively. Therefore, this variant is classified as a Variant of Uncertain Significance.

NM_000455.5(STK11):c.961C>G (p.Pro321Ala)

Gene: STK11 (serine/threonine kinase 11; plus strand). Cytogenetic location: 19p13.3.
Variant type: single nucleotide variant.
Coding change: c.961C>G on transcript NM_000455.5 (MANE Select); coding-DNA position 961, C replaced by G.
Protein change: p.Pro321Ala; replaces proline 321 with alanine.
Molecular consequence: missense variant.
Genome position (GRCh38, 1-based): chr19:1,223,025, C>G. VCF-style: chr19-1223025-C-G. GRCh37 (hg19) VCF-style: chr19-1223024-C-G.
Other names: short protein forms P321A.
Identifiers: ClinVar variation 953708 (VCV000953708.13), dbSNP rs1377304428, ClinGen allele CA402951548.